The following is an entry in ClinVar:

ClinVar aggregate classification (germline): Pathogenic (1 of 4 stars; one submission).

Submission:

ISCA site 17
Classification: Pathogenic. Last evaluated: 2011-08-12. Review status: criteria provided, single submitter. Criteria: Kaminsky et al. (Genet Med. 2011). Collection method: clinical testing. Allele origin: unknown. Affected: yes. Observed: 1 variant allele.
Comment: Copy number variation identified through the course of routine clinical cytogenomic testing in postnatal populations. Clinical assertions have been curated as described in Kaminsky et al. 2011.

GRCh38/hg38 1q44(chr1:244222222-245502219)x1

Genes: C1orf202 (chromosome 1 open reading frame 202; minus strand), CATSPERE (catsper channel auxiliary subunit epsilon; plus strand), COX20 (cytochrome c oxidase assembly factor COX20; plus strand), DESI2 (desumoylating isopeptidase 2; plus strand), EFCAB2 (EF-hand calcium binding domain 2; plus strand) and 44 more. Cytogenetic location: 1q44.
Variant type: copy number loss.
Change: copy number 1 (one copy instead of two) of chr1:244,222,222-245,502,219 (1.28 Mb, GRCh38 coordinates, 1-based), cytogenetic band 1q44.
Identifiers: ClinVar variation 60188 (VCV000060188.1).